The following is an entry in ClinVar:

NM_019066.5(MAGEL2):c.830C>A (p.Pro277Gln)

Gene: MAGEL2 (MAGE family member L2; minus strand). Cytogenetic location: 15q11.2.
Variant type: single nucleotide variant.
Coding change: c.830C>A on transcript NM_019066.5 (MANE Select); coding-DNA position 830, C replaced by A.
Protein change: p.Pro277Gln; replaces proline 277 with glutamine.
Molecular consequence: missense variant.
Genome position (GRCh38, 1-based): chr15:23,646,913, G>T on the plus strand (C>A on the coding strand, the complement: MAGEL2 is on the minus strand). VCF-style: chr15-23646913-G-T. GRCh37 (hg19) VCF-style: chr15-23892060-G-T.
Other names: short protein forms P277Q.
Identifiers: ClinVar variation 4981173 (VCV004981173.1).

ClinVar aggregate classification (germline): Uncertain significance (1 of 4 stars; one submission).

Conditions:
MAGEL2-related disorder. Also called: MAGEL2-related condition.

gnomAD v4.1: 35 of 1,536,906 alleles (0.0023%); highest among the groups gnomAD compares: Non-Finnish European, 0.003%; no homozygotes.

Submission:

PreventionGenetics, part of Exact Sciences
Classification: Uncertain significance for MAGEL2-related condition. Last evaluated: 2026-09-14. Review status: criteria provided, single submitter. Criteria: ACMG Guidelines, 2015. Collection method: clinical testing. Allele origin: germline.
Comment: The MAGEL2 c.830C>A variant is predicted to result in the amino acid substitution p.Pro277Gln. To our knowledge, this variant has not been reported in the literature. This variant is reported in 0.0054% of alleles in individuals of European (Non-Finnish) descent in gnomAD. At this time, the clinical significance of this variant is uncertain due to the absence of conclusive functional and genetic evidence.